The following is an entry in ClinVar:

NM_000353.3(TAT):c.340G>A (p.Gly114Ser)

Gene: TAT (tyrosine aminotransferase; minus strand). Cytogenetic location: 16q22.2.
Variant type: single nucleotide variant.
Coding change: c.340G>A on transcript NM_000353.3 (MANE Select); coding-DNA position 340, G replaced by A.
Protein change: p.Gly114Ser; replaces glycine 114 with serine.
Molecular consequence: missense variant.
Genome position (GRCh38, 1-based): chr16:71,575,922, C>T on the plus strand (G>A on the coding strand, the complement: TAT is on the minus strand). VCF-style: chr16-71575922-C-T. GRCh37 (hg19) VCF-style: chr16-71609825-C-T.
Other names: short protein forms G114S.
Identifiers: ClinVar variation 432087 (VCV000432087.4), dbSNP rs759311161, ClinGen allele CA8154016.

ClinVar aggregate classification (germline): Conflicting classifications of pathogenicity. Review status: criteria provided, conflicting classifications (1 of 4 stars). 3 submissions from 3 submitters: Likely pathogenic (1); Uncertain significance (1). 1 of the submissions does not count toward it. Last evaluated 2025-05-30.

Conditions:
Tyrosinemia type II (TYRSN2). Also called: KERATOSIS PALMOPLANTARIS WITH CORNEAL DYSTROPHY; OREGON TYPE TYROSINEMIA; TAT DEFICIENCY; TYROSINE AMINOTRANSFERASE DEFICIENCY; TYROSINE TRANSAMINASE DEFICIENCY. Identifiers: Orphanet 28378, MedGen C0268487, MONDO:0010160, OMIM 276600.

Allele frequency attached by ClinVar (database versions not stated): gnomAD exomes 0.00001 and 0.00002; ExAC 0.00002.
gnomAD v4.1: 8 of 1,614,044 alleles (0.0005%); highest among the groups gnomAD compares: Admixed American, 0.0017%; no homozygotes.

Submissions (3):

Women's Health and Genetics/Laboratory Corporation of America, LabCorp
Classification: Uncertain significance. Last evaluated: 2025-05-30. Review status: criteria provided, single submitter. Criteria: LabCorp Variant Classification Summary - May 2015. Collection method: clinical testing. Allele origin: germline.
Comment: Variant summary: TAT c.340G>A (p.Gly114Ser) results in a non-conservative amino acid change in the encoded protein sequence. Algorithms developed to predict the effect of missense changes on protein structure and function all suggest that this variant is likely to be disruptive. The variant allele was found at a frequency of 1.6e-05 in 251466 control chromosomes (gnomAD). c.340G>A has been observed in individuals affected with neurological symptoms (van der Ven_2021). These data indicate that the variant may be associated with disease. To our knowledge, no experimental evidence demonstrating an impact on protein function has been reported. The following publication have been ascertained in the context of this evaluation (PMID: 34490615). ClinVar contains an entry for this variant (Variation ID: 432087). Based on the evidence outlined above, the variant was classified as VUS-possibly pathogenic.

GeneDx
Classification: Likely pathogenic. Last evaluated: 2016-02-26. Review status: criteria provided, single submitter. Criteria: GeneDx Variant Classification (06012015). Collection method: clinical testing. Allele origin: germline. Affected: yes.
Comment: The G114S variant has not been published as a pathogenic variant, nor has it been reported as a benign variant to our knowledge. The G114S variant was not observed in approximately 6500 individuals of European and African American ancestry in the NHLBI Exome Sequencing Project, indicating it is not a common benign variant in these populations. The G114S variant is a conservative amino acid substitution, which is not likely to impact secondary protein structure as these residues share similar properties. This substitution occurs at a position that is conserved across species, and in silico analysis predicts the G114S variant is probably damaging to the protein structure/function. In summary, we interpret this variant as likely pathogenic; however, the possibility that it is benign cannot be excluded.

Counsyl
Classification: Uncertain significance for Tyrosinemia type II. Last evaluated: 2019-01-24. Review status: no assertion criteria provided. Collection method: clinical testing. Allele origin: unknown. Not counted in ClinVar's aggregate classification.

Literature cited by the submitters: PubMed 34490615 (cited by Women's Health and Genetics/Laboratory Corporation of America, LabCorp).